The following is an entry in ClinVar:

NM_004722.4(AP4M1):c.797C>G (p.Ser266Cys)

Gene: AP4M1 (adaptor related protein complex 4 subunit mu 1; plus strand). Cytogenetic location: 7q22.1.
Variant type: single nucleotide variant.
Coding change: c.797C>G on transcript NM_004722.4 (MANE Select); coding-DNA position 797, C replaced by G.
Protein change: p.Ser266Cys; replaces serine 266 with cysteine.
Molecular consequence: missense variant.
Genome position (GRCh38, 1-based): chr7:100,105,309, C>G. VCF-style: chr7-100105309-C-G. GRCh37 (hg19) VCF-style: chr7-99702932-C-G.
Other names: c.818C>G, p.Ser273Cys (NM_001363671.2); short protein forms S266C, S273C.
Identifiers: ClinVar variation 1460581 (VCV001460581.9), dbSNP rs2116654283, ClinGen allele CA368471936.

ClinVar aggregate classification (germline): Uncertain significance (1 of 4 stars; one submission).

Conditions:
Hereditary spastic paraplegia 50 (SPG50). Also called: Spastic paraplegia 50, autosomal recessive. Identifiers: Orphanet 280763, MedGen C2752008, MONDO:0013048, OMIM 612936.

Submission:

Labcorp Genetics (formerly Invitae), Labcorp
Classification: Uncertain significance for Hereditary spastic paraplegia 50. Last evaluated: 2021-05-26. Review status: criteria provided, single submitter. Criteria: Invitae Variant Classification Sherloc (09022015). Collection method: clinical testing. Allele origin: germline.
Comment: In summary, the available evidence is currently insufficient to determine the role of this variant in disease. Therefore, it has been classified as a Variant of Uncertain Significance. Algorithms developed to predict the effect of missense changes on protein structure and function (SIFT, PolyPhen-2, Align-GVGD) all suggest that this variant is likely to be disruptive, but these predictions have not been confirmed by published functional studies and their clinical significance is uncertain. This variant has not been reported in the literature in individuals with AP4M1-related conditions. This variant is not present in population databases (ExAC no frequency). This sequence change replaces serine with cysteine at codon 266 of the AP4M1 protein (p.Ser266Cys). The serine residue is highly conserved and there is a moderate physicochemical difference between serine and cysteine.